The following is an entry in ClinVar:

ClinVar aggregate classification (germline): Benign. Review status: criteria provided, multiple submitters, no conflicts (2 of 4 stars). 6 submissions from 6 submitters: Benign (6). Last evaluated 2026-02-04.

Conditions:
Osteopetrosis. Identifiers: Orphanet 2781, MedGen C0029454, MONDO:0017198, HP:0011002.

Allele frequency attached by ClinVar (database versions not stated): gnomAD exomes 0.06626 and 0.09327; gnomAD 0.06897 and 0.06746; ESP Exome Variant Server 0.07986; 1000 Genomes Project 0.03734; 1000 Genomes Project 30x 0.03810; ExAC 0.06614; TOPMed 0.06979.
gnomAD v4.1: 146,413 of 1,613,388 alleles (9.1%); highest among the groups gnomAD compares: Non-Finnish European, 11%; 7,668 homozygotes.

Submissions (6):

Labcorp Genetics (formerly Invitae), Labcorp
Classification: Benign. Last evaluated: 2026-02-04. Review status: criteria provided, single submitter. Criteria: Invitae Variant Classification Sherloc (09022015). Collection method: clinical testing. Allele origin: germline.

Mayo Clinic Laboratories, Mayo Clinic
Classification: Benign. Last evaluated: 2022-09-06. Review status: criteria provided, single submitter. Criteria: ACMG Guidelines, 2015. Collection method: clinical testing. Allele origin: germline. Observed: 9 variant alleles.

GeneDx
Classification: Benign. Last evaluated: 2021-06-09. Review status: criteria provided, single submitter. Criteria: GeneDx Variant Classification Process June 2021. Collection method: clinical testing. Allele origin: germline. Affected: yes.

Illumina Laboratory Services, Illumina
Classification: Benign for Osteopetrosis. Last evaluated: 2018-01-13. Review status: criteria provided, single submitter. Criteria: ICSL Variant Classification Criteria 13 December 2019. Collection method: clinical testing. Allele origin: germline.
Comment: This variant was observed in the ICSL laboratory as part of a predisposition screen in an ostensibly healthy population. It had not been previously curated by ICSL or reported in the Human Gene Mutation Database (HGMD: prior to June 1st, 2018), and was therefore a candidate for classification through an automated scoring system. Utilizing variant allele frequency, disease prevalence and penetrance estimates, and inheritance mode, an automated score was calculated to assess if this variant is too frequent to cause the disease. Based on the score and internal cut-off values, a variant classified as benign is not then subjected to further curation. The score for this variant resulted in a classification of benign for this disease.

Breakthrough Genomics
Classification: Benign. Review status: criteria provided, single submitter. Criteria: ACMG Guidelines, 2015. Collection method: not provided. Allele origin: germline. Inheritance: Autosomal recessive inheritance. Affected: yes.

PreventionGenetics, part of Exact Sciences
Classification: Benign. Review status: criteria provided, single submitter. Criteria: ACMG Guidelines, 2015. Collection method: clinical testing. Allele origin: germline.

NM_001287.6(CLCN7):c.1128G>A (p.Pro376=)

Gene: CLCN7 (Cl-/H+ antiporter 7; minus strand). Cytogenetic location: 16p13.3.
Variant type: single nucleotide variant.
Coding change: c.1128G>A on transcript NM_001287.6 (MANE Select); coding-DNA position 1128, G replaced by A.
Protein change: p.Pro376=; no amino-acid change (proline 376 retained).
Molecular consequence: synonymous variant.
Genome position (GRCh38, 1-based): chr16:1,454,436, C>T on the plus strand (G>A on the coding strand, the complement: CLCN7 is on the minus strand). VCF-style: chr16-1454436-C-T. GRCh37 (hg19) VCF-style: chr16-1504437-C-T.
Other names: p.Pro376=; c.1056G>A, p.Pro352= (NM_001114331.3).
Identifiers: ClinVar variation 257948 (VCV000257948.18), dbSNP rs12935737, ClinGen allele CA7810433.
Genomic context (GRCh38, chr16:1,454,436, plus strand): 5'-CAGGCCGTCCCTGCGGTGCTGGGAGAAGCCCTTACCCACCACGCCCATGGCGATGAAGAC[C>T]GGGATCTCGTGGATCGTGTAGGCCATTTTCTGTGCAGAGAGAGGGAGAAGGCAGAGGATG-3'
Protein context (NP_001278.1, residues 366-386): EKMAYTIHEI[Pro376=]VFIAMGVVGG